The following is an entry in ClinVar:

NM_173841.3(IL1RN):c.-12G>C

Gene: IL1RN (interleukin 1 receptor antagonist; plus strand). Cytogenetic location: 2q14.1.
Variant type: single nucleotide variant.
Coding change: c.-12G>C on transcript NM_173841.3; 12 bases upstream of the start codon, G replaced by C.
Molecular consequence: 5 prime UTR variant.
Genome position (GRCh38, 1-based): chr2:113,118,007, G>C. VCF-style: chr2-113118007-G-C. GRCh37 (hg19) VCF-style: chr2-113875584-G-C.
Other names: c.-12G>C (NM_000577.5); c.-294G>C (NM_001318914.2); c.-231G>C (NM_173843.3).
Identifiers: ClinVar variation 330821 (VCV000330821.20), dbSNP rs2234679, ClinGen allele CA1838694.

ClinVar aggregate classification (germline): Benign/Likely benign. Review status: criteria provided, multiple submitters, no conflicts (2 of 4 stars). 9 submissions from 9 submitters: Benign (6); Likely benign (1). 2 of the submissions do not count toward it. Last evaluated 2026-01-21.

Conditions:
Sterile multifocal osteomyelitis with periostitis and pustulosis. Also called: CHRONIC RECURRENT MULTIFOCAL OSTEOMYELITIS 2, WITH PERIOSTITIS AND PUSTULOSIS. Identifiers: Orphanet 210115, MedGen C2748507, MONDO:0013021, OMIM 612852.

Allele frequency attached by ClinVar (database versions not stated): gnomAD 0.20534 and 0.20861; ExAC 0.24484; TOPMed 0.19901; 1000 Genomes Project 0.18590; 1000 Genomes Project 30x 0.18129; ESP Exome Variant Server 0.19822.
gnomAD v4.1: 377,328 of 1,519,538 alleles (25%); highest among the groups gnomAD compares: Admixed American, 31%; 50,468 homozygotes.

Submissions (9):

Women's Health and Genetics/Laboratory Corporation of America, LabCorp
Classification: Benign. Last evaluated: 2026-01-21. Review status: criteria provided, single submitter. Criteria: LabCorp Variant Classification Summary - May 2015. Collection method: clinical testing. Allele origin: germline.

Blueprint Genetics
Classification: Likely benign. Last evaluated: 2024-11-26. Review status: criteria provided, single submitter. Criteria: ACMG Guidelines, 2015. Collection method: clinical testing. Allele origin: germline.

Unidad de Genómica Garrahan, Hospital de Pediatría Garrahan
Classification: Benign. Last evaluated: 2023-11-12. Review status: criteria provided, single submitter. Criteria: ACMG Guidelines, 2015. Collection method: clinical testing. Allele origin: germline. Affected: no. Observed: 47 variant alleles.
Comment: This variant is classified as Benign based on local population frequency. This variant was detected in 49% of patients studied by a panel of primary immunodeficiencies. Number of patients: 47. Only high quality variants are reported.

GeneDx
Classification: Benign. Last evaluated: 2021-05-12. Review status: criteria provided, single submitter. Criteria: GeneDx Variant Classification Process June 2021. Collection method: clinical testing. Allele origin: germline. Affected: yes.

Illumina Laboratory Services, Illumina
Classification: Benign for Sterile multifocal osteomyelitis with periostitis and pustulosis. Last evaluated: 2018-01-12. Review status: criteria provided, single submitter. Criteria: ICSL Variant Classification Criteria 13 December 2019. Collection method: clinical testing. Allele origin: germline.
Comment: This variant was observed in the ICSL laboratory as part of a predisposition screen in an ostensibly healthy population. It had not been previously curated by ICSL or reported in the Human Gene Mutation Database (HGMD: prior to June 1st, 2018), and was therefore a candidate for classification through an automated scoring system. Utilizing variant allele frequency, disease prevalence and penetrance estimates, and inheritance mode, an automated score was calculated to assess if this variant is too frequent to cause the disease. Based on the score and internal cut-off values, a variant classified as benign is not then subjected to further curation. The score for this variant resulted in a classification of benign for this disease.

Laboratory for Molecular Medicine, Mass General Brigham Personalized Medicine
Classification: Benign. Last evaluated: 2016-03-29. Review status: criteria provided, single submitter. Criteria: LMM Criteria. Collection method: clinical testing. Allele origin: germline.
Comment: Variant identified in a genome or exome case(s) and assessed due to predicted null impact of the variant or pathogenic assertions in the literature or databases. Disclaimer: This variant has not undergone full assessment. The following are preliminary notes: Frequency

Breakthrough Genomics
Classification: Benign. Review status: criteria provided, single submitter. Criteria: ACMG Guidelines, 2015. Collection method: not provided. Allele origin: germline. Inheritance: Autosomal recessive inheritance. Affected: yes.

Diagnostic Laboratory, Department of Genetics, University Medical Center Groningen
Classification: Benign. Review status: no assertion criteria provided. Collection method: clinical testing. Allele origin: germline. Affected: yes. Study: VKGL Data-share Consensus. Not counted in ClinVar's aggregate classification.

Genome Diagnostics Laboratory, University Medical Center Utrecht
Classification: Benign. Review status: no assertion criteria provided. Collection method: clinical testing. Allele origin: germline. Affected: yes. Study: VKGL Data-share Consensus. Not counted in ClinVar's aggregate classification.